The following is an entry in ClinVar:

ClinVar aggregate classification (germline): Uncertain significance. Review status: criteria provided, multiple submitters, no conflicts (2 of 4 stars). 2 submissions from 2 submitters: Uncertain significance (2). Last evaluated 2026-08-06.

Conditions:
Intervertebral disc disorder (IDD). Also called: Lumbar disk degenerative disorder; INTERVERTEBRAL DISC DISEASE. Identifiers: MedGen C0158252, MONDO:0044339, OMIM 603932.

Submissions (2):

OLLIN Analises Genomicas, OLLIN
Classification: Uncertain significance for Intervertebral disc disorder. Last evaluated: 2026-08-06. Review status: criteria provided, single submitter. Criteria: ACMG Guidelines 2015 PMID 25741868. Collection method: clinical testing. Allele origin: germline.
Comment: This missense variant, located in exon 4 (of 32), is absent from gnomAD and has not been identified in the literature. However, it has been reported in ClinVar (accession VCV001391669.6). In silico analysis predicts that this variant has a deleterious effect. This gene has high tolerance to missense variation. According to the currently available evidence, this variant has been classified as uncertain significance (PM2_P, PP3_S, BP1).

Labcorp Genetics (formerly Invitae), Labcorp
Classification: Uncertain significance. Last evaluated: 2024-10-16. Review status: criteria provided, single submitter. Criteria: Invitae Variant Classification Sherloc (09022015). Collection method: clinical testing. Allele origin: germline.
Comment: This sequence change replaces glycine, which is neutral and non-polar, with arginine, which is basic and polar, at codon 65 of the COL9A3 protein (p.Gly65Arg). This variant is not present in population databases (gnomAD no frequency). This variant has not been reported in the literature in individuals affected with COL9A3-related conditions. ClinVar contains an entry for this variant (Variation ID: 1391669). Invitae Evidence Modeling of protein sequence and biophysical properties (such as structural, functional, and spatial information, amino acid conservation, physicochemical variation, residue mobility, and thermodynamic stability) indicates that this missense variant is expected to disrupt COL9A3 protein function with a positive predictive value of 95%. In summary, the available evidence is currently insufficient to determine the role of this variant in disease. Therefore, it has been classified as a Variant of Uncertain Significance.

NM_001853.4(COL9A3):c.193G>A (p.Gly65Arg)

Gene: COL9A3 (collagen type IX alpha 3 chain; plus strand). Cytogenetic location: 20q13.33.
Variant type: single nucleotide variant.
Coding change: c.193G>A on transcript NM_001853.4 (MANE Select); coding-DNA position 193, G replaced by A.
Protein change: p.Gly65Arg; replaces glycine 65 with arginine.
Molecular consequence: missense variant.
Genome position (GRCh38, 1-based): chr20:62,819,231, G>A. VCF-style: chr20-62819231-G-A. GRCh37 (hg19) VCF-style: chr20-61450583-G-A.
Other names: short protein forms G65R.
Identifiers: ClinVar variation 1391669 (VCV001391669.7), dbSNP rs868763684, ClinGen allele CA317322604.
Genomic context (GRCh38, chr20:62,819,231, plus strand): 5'-GGCTCCAGGCCAGACCCCGCCTTCACATCTCTGCCCTTTCCTCCTGCACAGGGACCAAAG[G>A]GGGCCCCAGGAAAGCCGGGGAAACCAGGAGAGGCTGGGCTGCCGGGACTGCCGGGTGTGG-3'
Protein context (NP_001844.3, residues 55-75): PGLPGPPGPK[Gly65Arg]APGKPGKPGE